The following is an entry in ClinVar:

NM_003611.3(OFD1):c.2502G>A (p.Met834Ile)

Gene: OFD1 (OFD1 centriole and centriolar satellite protein; plus strand). Cytogenetic location: Xp22.2.
Variant type: single nucleotide variant.
Coding change: c.2502G>A on transcript NM_003611.3 (MANE Select); coding-DNA position 2502, G replaced by A.
Protein change: p.Met834Ile; replaces methionine 834 with isoleucine.
Molecular consequence: missense variant.
Genome position (GRCh38, 1-based): chrX:13,763,758, G>A. VCF-style: chrX-13763758-G-A. GRCh37 (hg19) VCF-style: chrX-13781877-G-A.
Other names: c.2502G>A (NM_003611.2); c.2382G>A, p.Met794Ile (NM_001330209.2); c.2082G>A, p.Met694Ile (NM_001330210.2); short protein forms M794I, M834I, M694I.
Identifiers: ClinVar variation 2940603 (VCV002940603.4), dbSNP rs2048023052, ClinGen allele CA412345431.
Genomic context (GRCh38, chrX:13,763,758, plus strand): 5'-CTTGGTGTTATTATTAAGGACTCATGGGACAATTGTGCCTCATGCAGCTGCAGGGAACAT[G>A]CCAAGGCAGTTGGAAATGGGCGGGCTTTCTCCTGCCGGGGATATGTCTCATGTGGACGCT-3'
Protein context (NP_003602.1, residues 824-844): FESSFESAGN[Met834Ile]PRQLEMGGLS

ClinVar aggregate classification (germline): Uncertain significance. Review status: criteria provided, multiple submitters, no conflicts (2 of 4 stars). 2 submissions from 2 submitters: Uncertain significance (2). Last evaluated 2025-06-12.

Conditions:
Orofaciodigital syndrome I (OFD1). Also called: OFDS I; Papillon-Leage and Psaume Syndrome; Oral-Facial-Digital Syndrome Type I. Identifiers: Orphanet 2750, MedGen C1510460, MONDO:0010702, OMIM 311200.
Joubert syndrome. Also called: JOUBERT-BOLTSHAUSER SYNDROME; Familial aplasia of the vermis. Identifiers: Orphanet 475, MedGen C5979921, MONDO:0018772.
Primary ciliary dyskinesia. Also called: Ciliary dyskinesia. Identifiers: Orphanet 244, MedGen C0008780, MONDO:0016575, HP:0012265.

Allele frequency attached by ClinVar (database versions not stated): TOPMed 0.00001; gnomAD 0.00002.

Submissions (2):

Labcorp Genetics (formerly Invitae), Labcorp
Classification: Uncertain significance for Orofaciodigital syndrome I; Joubert syndrome. Last evaluated: 2025-06-12. Review status: criteria provided, single submitter. Criteria: Invitae Variant Classification Sherloc (09022015). Collection method: clinical testing. Allele origin: germline.
Comment: This sequence change replaces methionine, which is neutral and non-polar, with isoleucine, which is neutral and non-polar, at codon 834 of the OFD1 protein (p.Met834Ile). This variant is not present in population databases (gnomAD no frequency). This variant has not been reported in the literature in individuals affected with OFD1-related conditions. ClinVar contains an entry for this variant (Variation ID: 2940603). Invitae Evidence Modeling of protein sequence and biophysical properties (such as structural, functional, and spatial information, amino acid conservation, physicochemical variation, residue mobility, and thermodynamic stability) indicates that this missense variant is not expected to disrupt OFD1 protein function with a negative predictive value of 80%. In summary, the available evidence is currently insufficient to determine the role of this variant in disease. Therefore, it has been classified as a Variant of Uncertain Significance.

Ambry Genetics
Classification: Uncertain significance for Primary ciliary dyskinesia. Last evaluated: 2023-11-29. Review status: criteria provided, single submitter. Criteria: Ambry Variant Classification Scheme 2023. Collection method: clinical testing. Allele origin: germline.